The following is an entry in ClinVar:

ClinVar aggregate classification (germline): Conflicting classifications of pathogenicity. Review status: criteria provided, conflicting classifications (1 of 4 stars). 9 submissions from 9 submitters: Uncertain significance (7); Likely benign (2). Last evaluated 2026-01-28.

Conditions:
Colorectal cancer, susceptibility to, 12 (CRCS12). Also called: COLORECTAL CANCER, SUSCEPTIBILITY TO, ON CHROMOSOME 12q24. Identifiers: Orphanet 220460, MedGen C3554460, MONDO:0014038, OMIM 615083.
Hereditary cancer-predisposing syndrome. Also called: Neoplastic Syndromes, Hereditary; Hereditary neoplastic syndrome; Hereditary Cancer Syndrome; Tumor predisposition. Identifiers: Orphanet 140162, MedGen C0027672, MeSH D009386, MONDO:0015356.
POLD1-related polyposis and colorectal cancer syndrome (CRCS10). Also called: Colorectal cancer, susceptibility to, 10; Colorectal cancer 10; COLORECTAL CANCER, SUSCEPTIBILITY TO, ON CHROMOSOME 19q. Identifiers: Orphanet 220460, MedGen C2675481, MONDO:0012953, OMIM 612591.

Allele frequency attached by ClinVar (database versions not stated): gnomAD exomes 0.00006 and 0.00009; ExAC 0.00007; TOPMed 0.00009; ESP Exome Variant Server 0.00015; gnomAD 0.00007 and 0.00008.
gnomAD v4.1: 145 of 1,613,822 alleles (0.009%); highest among the groups gnomAD compares: East Asian, 0.016%; no homozygotes.

Submissions (9):

Labcorp Genetics (formerly Invitae), Labcorp
Classification: Uncertain significance. Last evaluated: 2026-01-28. Review status: criteria provided, single submitter. Criteria: Invitae Variant Classification Sherloc (09022015). Collection method: clinical testing. Allele origin: germline.
Comment: This sequence change replaces alanine, which is neutral and non-polar, with threonine, which is neutral and polar, at codon 428 of the POLE protein (p.Ala428Thr). This variant is present in population databases (rs150032060, gnomAD 0.03%). This missense change has been observed in individual(s) with endometrial cancer (PMID: 25505230, 34326862). ClinVar contains an entry for this variant (Variation ID: 405877). Invitae Evidence Modeling of protein sequence and biophysical properties (such as structural, functional, and spatial information, amino acid conservation, physicochemical variation, residue mobility, and thermodynamic stability) indicates that this missense variant is not expected to disrupt POLE protein function with a negative predictive value of 80%. Experimental studies have shown that this missense change does not substantially affect POLE function (PMID: 25228659). In summary, the available evidence is currently insufficient to determine the role of this variant in disease. Therefore, it has been classified as a Variant of Uncertain Significance.

Center for Genomic Medicine, Rigshospitalet, Copenhagen University Hospital
Classification: Uncertain significance. Last evaluated: 2025-12-29. Review status: criteria provided, single submitter. Criteria: ACMG Guidelines, 2015. Collection method: clinical testing. Allele origin: germline.
Comment: Classification criteria: BS1

Molecular Pathology, Peter Maccallum Cancer Centre
Classification: Uncertain significance for POLD1-related polyposis and colorectal cancer syndrome. Last evaluated: 2025-04-22. Review status: criteria provided, single submitter. Criteria: ACMG Guidelines, 2015. Collection method: clinical testing. Allele origin: germline. Inheritance: Autosomal dominant inheritance.

Ambry Genetics
Classification: Uncertain significance for Hereditary cancer-predisposing syndrome. Last evaluated: 2025-03-03. Review status: criteria provided, single submitter. Criteria: Ambry Variant Classification Scheme 2023. Collection method: clinical testing. Allele origin: germline.
Comment: The p.A428T variant (also known as c.1282G>A), located in coding exon 13 of the POLE gene, results from a G to A substitution at nucleotide position 1282. The alanine at codon 428 is replaced by threonine, an amino acid with similar properties. This amino acid position is highly conserved in available vertebrate species. In addition, this alteration is predicted to be tolerated by in silico analysis. Based on the available evidence, the clinical significance of this variant remains unclear.

St. Jude Molecular Pathology, St. Jude Children's Research Hospital
Classification: Uncertain significance for Colorectal cancer, susceptibility to, 12. Last evaluated: 2024-04-26. Review status: criteria provided, single submitter. Criteria: St. Jude Assertion Criteria 2020. Collection method: clinical testing. Allele origin: germline.

Baylor Genetics
Classification: Uncertain significance for Colorectal cancer, susceptibility to, 12. Last evaluated: 2023-10-22. Review status: criteria provided, single submitter. Criteria: ACMG Guidelines, 2015. Collection method: clinical testing. Allele origin: unknown.

Quest Diagnostics Nichols Institute San Juan Capistrano
Classification: Likely benign. Last evaluated: 2023-06-16. Review status: criteria provided, single submitter. Criteria: Quest Diagnostics criteria. Collection method: clinical testing. Allele origin: unknown.

Sema4
Classification: Uncertain significance for Hereditary cancer-predisposing syndrome. Last evaluated: 2021-05-12. Review status: criteria provided, single submitter. Criteria: Sema4 Curation Guidelines. Collection method: curation. Allele origin: germline.
Comment: The POLE c.1282G>A (p.A428T) variant has been reported in heterozygosity in at least one individual with endometrial cancer (PMID: 25505230). An evaluation of exonuclease activity demonstrated the normal function of the protein (PMID: 25228659). This variant was observed in 5/19954 chromosomes in the East Asian population according to the Genome Aggregation Database (PMID: 32461654). This variant has been reported in ClinVar (Variation ID: 405877). Based on the current evidence available, this variant is interpreted as a variant of uncertain significance.

GeneDx
Classification: Likely benign. Last evaluated: 2020-09-08. Review status: criteria provided, single submitter. Criteria: GeneDx Variant Classification Process June 2021. Collection method: clinical testing. Allele origin: germline. Affected: yes.
Comment: This variant is associated with the following publications: (PMID: 25505230, 23528559, 26251183, 27742654, 25228659)

Literature cited by the submitters: PubMed 25505230 (cited by 3 submitters); PubMed 34326862 (cited by Labcorp Genetics (formerly Invitae), Labcorp); PubMed 25228659 (cited by 4 submitters); PubMed 27742654 (cited by Quest Diagnostics Nichols Institute San Juan Capistrano); PubMed 26251183 (cited by Quest Diagnostics Nichols Institute San Juan Capistrano).

NM_006231.4(POLE):c.1282G>A (p.Ala428Thr)

Gene: POLE (DNA polymerase epsilon, catalytic subunit; minus strand). Cytogenetic location: 12q24.33.
Variant type: single nucleotide variant.
Coding change: c.1282G>A on transcript NM_006231.4 (MANE Select); coding-DNA position 1282, G replaced by A.
Protein change: p.Ala428Thr; replaces alanine 428 with threonine.
Molecular consequence: missense variant.
Genome position (GRCh38, 1-based): chr12:132,673,652, C>T on the plus strand (G>A on the coding strand, the complement: POLE is on the minus strand). VCF-style: chr12-132673652-C-T. GRCh37 (hg19) VCF-style: chr12-133250238-C-T.
Other names: short protein forms A428T.
Identifiers: ClinVar variation 405877 (VCV000405877.23), dbSNP rs150032060, ClinGen allele CA6894016.
Genomic context (GRCh38, chr12:132,673,652, plus strand): 5'-CCATCCGGCACATGTCCTCCGGGTCTAGCTCCACGGGATCATAGCCTAGCTTGGCCTTGG[C>T]GGCCGCCTTGAGATTATGACTGCCCACAGGAAGGTAACTGTCCCTCTTCACCCACCTGGA-3'
Protein context (NP_006222.2, residues 418-438): PVGSHNLKAA[Ala428Thr]KAKLGYDPVE